The following is an entry in ClinVar:

ClinVar aggregate classification (germline): Uncertain significance. Review status: criteria provided, multiple submitters, no conflicts (2 of 4 stars). 3 submissions from 3 submitters: Uncertain significance (3). Last evaluated 2025-08-18.

Allele frequency attached by ClinVar (database versions not stated): TOPMed 0.00004; gnomAD 0.00007; gnomAD exomes 0.00001; ExAC 0.00002.
gnomAD v4.1: 29 of 1,593,062 alleles (0.0018%); highest among the groups gnomAD compares: Admixed American, 0.022%; no homozygotes.

Submissions (3):

Women's Health and Genetics/Laboratory Corporation of America, LabCorp
Classification: Uncertain significance. Last evaluated: 2025-08-18. Review status: criteria provided, single submitter. Criteria: LabCorp Variant Classification Summary - May 2015. Collection method: clinical testing. Allele origin: germline.
Comment: Variant summary: RASA2 c.1577G>A (p.Arg526Gln) results in a conservative amino acid change in the encoded protein sequence. Algorithms developed to predict the effect of missense changes on protein structure and function are either unavailable or do not agree on the potential impact of this missense change. The variant allele was found at a frequency of 3.6e-05 in 247936 control chromosomes. The available data on variant occurrences in the general population are insufficient to allow any conclusion about variant significance. To our knowledge, no occurrence of c.1577G>A in individuals affected with Noonan Syndrome and no experimental evidence demonstrating its impact on protein function have been reported. ClinVar contains an entry for this variant (Variation ID: 2501181). Based on the evidence outlined above, the variant was classified as uncertain significance.

Labcorp Genetics (formerly Invitae), Labcorp
Classification: Uncertain significance. Last evaluated: 2024-10-22. Review status: criteria provided, single submitter. Criteria: Invitae Variant Classification Sherloc (09022015). Collection method: clinical testing. Allele origin: germline.
Comment: This sequence change replaces arginine, which is basic and polar, with glutamine, which is neutral and polar, at codon 526 of the RASA2 protein (p.Arg526Gln). This variant is present in population databases (rs778607316, gnomAD 0.02%). This variant has not been reported in the literature in individuals affected with RASA2-related conditions. ClinVar contains an entry for this variant (Variation ID: 2501181). Invitae Evidence Modeling of protein sequence and biophysical properties (such as structural, functional, and spatial information, amino acid conservation, physicochemical variation, residue mobility, and thermodynamic stability) has been performed for this missense variant. However, the output from this modeling did not meet the statistical confidence thresholds required to predict the impact of this variant on RASA2 protein function. In summary, the available evidence is currently insufficient to determine the role of this variant in disease. Therefore, it has been classified as a Variant of Uncertain Significance.

Ambry Genetics
Classification: Uncertain significance. Last evaluated: 2023-09-14. Review status: criteria provided, single submitter. Criteria: Ambry Variant Classification Scheme 2023. Collection method: clinical testing. Allele origin: germline.
Comment: The p.R526Q variant (also known as c.1577G>A), located in coding exon 15 of the RASA2 gene, results from a G to A substitution at nucleotide position 1577. The arginine at codon 526 is replaced by glutamine, an amino acid with highly similar properties. This amino acid position is conserved. In addition, the in silico prediction for this alteration is inconclusive. Since supporting evidence is limited at this time, the clinical significance of this alteration remains unclear.

NM_006506.5(RASA2):c.1577G>A (p.Arg526Gln)

Gene: RASA2 (RAS p21 protein activator 2; plus strand). Cytogenetic location: 3q23.
Variant type: single nucleotide variant.
Coding change: c.1577G>A on transcript NM_006506.5 (MANE Select); coding-DNA position 1577, G replaced by A.
Protein change: p.Arg526Gln; replaces arginine 526 with glutamine.
Molecular consequence: missense variant.
Genome position (GRCh38, 1-based): chr3:141,577,093, G>A. VCF-style: chr3-141577093-G-A. GRCh37 (hg19) VCF-style: chr3-141295935-G-A.
Other names: c.1577G>A, p.Arg526Gln (NM_001303245.3, NM_001303246.3); c.1577G>A (NM_006506.2); short protein forms R526Q.
Identifiers: ClinVar variation 2501181 (VCV002501181.7), dbSNP rs778607316, ClinGen allele CA2645546.